The following is an entry in ClinVar:

ClinVar aggregate classification (germline): Likely benign. Review status: criteria provided, single submitter (1 of 4 stars). 2 submissions from 2 submitters: Likely benign (1). 1 of the submissions does not count toward it. Last evaluated 2019-12-07.

Allele frequency attached by ClinVar (database versions not stated): gnomAD exomes 0.00004 and 0.00011; ESP Exome Variant Server 0.00033; TOPMed 0.00030; 1000 Genomes Project 0.00120; 1000 Genomes Project 30x 0.00141; ExAC 0.00016; gnomAD 0.00039 and 0.00038.
gnomAD v4.1: 122 of 1,613,868 alleles (0.0076%); highest among the groups gnomAD compares: African/African-American, 0.15%; no homozygotes.

Submissions (2):

Labcorp Genetics (formerly Invitae), Labcorp
Classification: Likely benign. Last evaluated: 2019-12-07. Review status: criteria provided, single submitter. Criteria: Invitae Variant Classification Sherloc (09022015). Collection method: clinical testing. Allele origin: germline.

Human Evolutionary Genetics, Institut Pasteur
No classification provided. Review status: no classification provided. Collection method: not provided. Allele origin: germline. Not counted in ClinVar's aggregate classification.
ClinVar note: Converted during submission from untested to not provided.

NM_001433705.1(NLRP5):c.2419T>C (p.Cys807Arg)

Gene: NLRP5 (NLR family pyrin domain containing 5; plus strand). Cytogenetic location: 19q13.43.
Variant type: single nucleotide variant.
Coding change: c.2419T>C on transcript NM_001433705.1 (MANE Select); coding-DNA position 2419, T replaced by C.
Protein change: p.Cys807Arg; replaces cysteine 807 with arginine.
Molecular consequence: missense variant.
Genome position (GRCh38, 1-based): chr19:56,033,666, T>C. VCF-style: chr19-56033666-T-C. GRCh37 (hg19) VCF-style: chr19-56545032-T-C.
Other names: NM_153447.4:c.2572T>C; short protein forms C807R.
Identifiers: ClinVar variation 103285 (VCV000103285.8), dbSNP rs199475780, ClinGen allele CA230368.